The following is an entry in ClinVar:

NM_001083962.2(TCF4):c.1348A>G (p.Met450Val)

Gene: TCF4 (transcription factor 4; minus strand). Cytogenetic location: 18q21.2.
Variant type: single nucleotide variant.
Coding change: c.1348A>G on transcript NM_001083962.2 (MANE Select); coding-DNA position 1348, A replaced by G.
Protein change: p.Met450Val; replaces methionine 450 with valine.
Molecular consequence: missense variant.
Genome position (GRCh38, 1-based): chr18:55,254,499, T>C on the plus strand (A>G on the coding strand, the complement: TCF4 is on the minus strand). VCF-style: chr18-55254499-T-C. GRCh37 (hg19) VCF-style: chr18-52921730-T-C.
Other names: NM_001083962.2(TCF4):c.1348A>G; p.Met450Val; c.1276A>G, p.Met426Val (NM_001348217.1, NM_001348218.2, NM_001348219.2 and 5 more transcripts); c.1273A>G, p.Met425Val (NM_001348220.1, NM_001369576.1, NM_001369577.1 and 6 more transcripts); c.1135A>G, p.Met379Val (NM_001306208.1, NM_001243232.1); c.1345A>G, p.Met449Val (NM_001330604.3, NM_001369573.1, NM_001369574.1 and 2 more transcripts); c.958A>G, p.Met320Val (NM_001330605.3, NM_001348212.2, NM_001348213.2 and 1 more transcripts); c.1222A>G, p.Met408Val (NM_001348211.2, NM_001243231.2); and 8 more; short protein forms M234V, M289V, M290V, M320V, M379V, M408V, M425V, M426V.
Identifiers: ClinVar variation 1010409 (VCV001010409.9), dbSNP rs1466719628, ClinGen allele CA402533223.
Genomic context (GRCh38, chr18:55,254,499, plus strand): 5'-ATATCTGAAATTCTAACTCTATATGATAACTATAGAGTCTATAAATTTCATCACTTACCA[T>C]GAGTGAATGTCTGTTGGCTGAAAGAAGGCCGGTTCCATACCCTGAGCCCAGACCACCCAT-3'
Protein context (NP_001077431.1, residues 440-460): GLLSANRHSL[Met450Val]VGTHREDGVA

ClinVar aggregate classification (germline): Likely benign. Review status: reviewed by expert panel (3 of 4 stars). 4 submissions from 4 submitters: Likely benign (1). 3 of the submissions do not count toward it. Last evaluated 2025-06-25.

Conditions:
Inborn genetic diseases. Identifiers: MedGen C0950123, MeSH D030342.
Pitt-Hopkins syndrome (PTHS). Also called: ENCEPHALOPATHY, SEVERE EPILEPTIC, WITH AUTONOMIC DYSFUNCTION; MENTAL RETARDATION, SYNDROMAL, WITH INTERMITTENT HYPERVENTILATION. Identifiers: Orphanet 2896, MedGen C1970431, MONDO:0012589, OMIM 610954.

Allele frequency attached by ClinVar (database versions not stated): gnomAD exomes below 0.00001; TOPMed 0.00001; gnomAD 0.00002.
gnomAD v4.1: 4 of 1,613,404 alleles (0.00025%); highest among the groups gnomAD compares: African/African-American, 0.004%; no homozygotes.

Submissions (4):

ClinGen Rett and Angelman-like Disorders Variant Curation Expert Panel
Classification: Likely benign for Pitt-Hopkins syndrome. Last evaluated: 2025-06-25. Review status: reviewed by expert panel. Criteria: ClinGen RettAS ACMG Specifications TCF4 V4.0.0. Collection method: curation. Allele origin: germline. Inheritance: Autosomal dominant inheritance.
Comment: The highest population minor allele frequency of the p.Met450Val variant in TCF4 in gnomAD v4.1 is 0.00004005 in the African/African American population (not sufficient to meet BS1 criteria). The p.Met450Val variant is observed in at least 2 unaffected individuals (internal database - Ambry Genetics) (BS2). In summary, the p.Met450Val variant in TCF4 is classified as likely benign based on the ACMG/AMP criteria (BS2). (TCF4 Specifications v.4.0; curation approved on [06/25/2025])

Labcorp Genetics (formerly Invitae), Labcorp
Classification: Likely benign for Pitt-Hopkins syndrome. Last evaluated: 2025-08-29. Review status: criteria provided, single submitter. Criteria: Invitae Variant Classification Sherloc (09022015). Collection method: clinical testing. Allele origin: germline. Not counted in ClinVar's aggregate classification.

Ambry Genetics
Classification: Uncertain significance for Inborn genetic diseases. Last evaluated: 2024-08-30. Review status: criteria provided, single submitter. Criteria: Ambry Variant Classification Scheme 2023. Collection method: clinical testing. Allele origin: germline. Not counted in ClinVar's aggregate classification.

GeneDx
Classification: Uncertain significance. Last evaluated: 2022-06-30. Review status: criteria provided, single submitter. Criteria: GeneDx Variant Classification Process June 2021. Collection method: clinical testing. Allele origin: germline. Affected: yes. Not counted in ClinVar's aggregate classification.
Comment: In silico analysis supports that this missense variant does not alter protein structure/function; Has not been previously published as pathogenic or benign to our knowledge